The following is an entry in ClinVar:

ClinVar aggregate classification (germline): Uncertain significance (1 of 4 stars; one submission).

Conditions:
EGFR-related lung cancer (EGFR). Identifiers: MedGen CN130014.

Submission:

Labcorp Genetics (formerly Invitae), Labcorp
Classification: Uncertain significance for EGFR-related lung cancer. Last evaluated: 2024-08-22. Review status: criteria provided, single submitter. Criteria: Invitae Variant Classification Sherloc (09022015). Collection method: clinical testing. Allele origin: germline.
Comment: This sequence change replaces glutamine, which is neutral and polar, with glutamic acid, which is acidic and polar, at codon 1174 of the EGFR protein (p.Gln1174Glu). This variant is not present in population databases (gnomAD no frequency). This variant has not been reported in the literature in individuals affected with EGFR-related conditions. An algorithm developed to predict the effect of missense changes on protein structure and function (PolyPhen-2) suggests that this variant is likely to be disruptive. In summary, the available evidence is currently insufficient to determine the role of this variant in disease. Therefore, it has been classified as a Variant of Uncertain Significance.

NM_005228.5(EGFR):c.3520C>G (p.Gln1174Glu)

Gene: EGFR (epidermal growth factor receptor; plus strand). Cytogenetic location: 7p11.2.
Variant type: single nucleotide variant.
Coding change: c.3520C>G on transcript NM_005228.5 (MANE Select); coding-DNA position 3520, C replaced by G.
Protein change: p.Gln1174Glu; replaces glutamine 1174 with glutamic acid.
Molecular consequence: missense variant.
Genome position (GRCh38, 1-based): chr7:55,205,504, C>G. VCF-style: chr7-55205504-C-G. GRCh37 (hg19) VCF-style: chr7-55273197-C-G.
Other names: c.3385C>G, p.Gln1129Glu (NM_001346899.2); c.3361C>G, p.Gln1121Glu (NM_001346900.2); c.2719C>G, p.Gln907Glu (NM_001346941.2); short protein forms Q1174E, Q907E, Q1121E, Q1129E.
Identifiers: ClinVar variation 3663265 (VCV003663265.2).
Genomic context (GRCh38, chr7:55,205,504, plus strand): 5'-CCTGCCCACTGGGCCCAGAAAGGCAGCCACCAAATTAGCCTGGACAACCCTGACTACCAG[C>G]AGGACTTCTTTCCCAAGGAAGCCAAGCCAAATGGCATCTTTAAGGGCTCCACAGCTGAAA-3'
Protein context (NP_005219.2, residues 1164-1184): QISLDNPDYQ[Gln1174Glu]DFFPKEAKPN